The following is an entry in ClinVar:

NC_000023.10:g.(?_76972588)_(77302067_?)del

Genes: ATP7A (ATPase copper transporting alpha; plus strand), ATRX (ATRX chromatin remodeler; minus strand), COX7B (cytochrome c oxidase subunit 7B; plus strand), MAGT1 (magnesium transporter 1; minus strand), PGAM4 (phosphoglycerate mutase family member 4; minus strand). Cytogenetic location: Xq21.1.
Variant type: Deletion.
Identifiers: ClinVar variation 3244475 (VCV003244475.1).

ClinVar aggregate classification (germline): Pathogenic. Review status: criteria provided, single submitter (1 of 4 stars). 2 submissions from 1 submitter: Pathogenic (2). Last evaluated 2023-11-12.

Conditions:
Alpha thalassemia-X-linked intellectual disability syndrome (ATRX). Also called: ALPHA-THALASSEMIA/MENTAL RETARDATION SYNDROME, X-LINKED; ATR, NONDELETION TYPE; ATR-X syndrome; Alpha thalassemia mental retardation syndrome, nondeletion type, X-linked; XLMR hypotonic face syndrome; X-linked alpha-thalassemia-mental retardation syndrome. Identifiers: Orphanet 847, MedGen C1845055, MONDO:0010519, OMIM 301040.
X-linked distal spinal muscular atrophy type 3. Also called: ATP7A-Related Distal Motor Neuropathy; SPINAL MUSCULAR ATROPHY, DISTAL, X-LINKED RECESSIVE; NEURONOPATHY, DISTAL HEREDITARY MOTOR, X-LINKED; NEUROPATHY, DISTAL HEREDITARY MOTOR, X-LINKED. Identifiers: Orphanet 139557, MedGen C1845359, MONDO:0010338, OMIM 300489.
Cutis laxa, X-linked (OHS). Also called: EDS IX; Occipital horn syndrome. Identifiers: Orphanet 198, MedGen C0268353, MONDO:0010572, OMIM 304150.
Menkes kinky-hair syndrome (MNK). Also called: Copper transport disease; Menkes Disease; Classic Menkes Disease. Identifiers: Orphanet 565, MedGen C0022716, MONDO:0010651, OMIM 309400.

Submissions (2):

Labcorp Genetics (formerly Invitae), Labcorp
Classification: Pathogenic for Alpha thalassemia-X-linked intellectual disability syndrome. Last evaluated: 2023-11-12. Review status: criteria provided, single submitter. Criteria: Invitae Variant Classification Sherloc (09022015). Collection method: clinical testing. Allele origin: unknown.
Comment: This variant is a gross deletion of the genomic region encompassing exon(s) 1-2 of the ATRX gene, which includes the initiator codon. This deletion extends beyond the assayed region for this gene and therefore may encompass additional genes. It is expected to result in an absent or disrupted protein product. Loss-of-function variants in ATRX are known to be pathogenic (PMID: 15591283, 18409179, 23681356). This variant has not been reported in the literature in individuals affected with ATRX-related conditions. For these reasons, this variant has been classified as Pathogenic.

Labcorp Genetics (formerly Invitae), Labcorp
Classification: Pathogenic for X-linked distal spinal muscular atrophy type 3; Cutis laxa, X-linked; Menkes kinky-hair syndrome. Last evaluated: 2023-11-12. Review status: criteria provided, single submitter. Criteria: Invitae Variant Classification Sherloc (09022015). Collection method: clinical testing. Allele origin: unknown.
Comment: A gross deletion of the genomic region encompassing the full coding sequence of the ATP7A gene has been identified. Loss-of-function variants in ATP7A are known to be pathogenic (PMID: 11241493, 20652413). The boundaries of this event are unknown as they extend beyond the assayed region for this gene and therefore may encompass additional genes. This variant has not been reported in the literature in individuals affected with ATP7A-related conditions. For these reasons, this variant has been classified as Pathogenic.

Literature cited by the submitters: PubMed 15591283; PubMed 18409179; PubMed 23681356; PubMed 11241493; PubMed 20652413.